The following is an entry in ClinVar:

NM_016239.4(MYO15A):c.9157-1G>A

Gene: MYO15A (myosin XVA; plus strand). Cytogenetic location: 17p11.2.
Variant type: single nucleotide variant.
Coding change: c.9157-1G>A on transcript NM_016239.4 (MANE Select); the canonical splice acceptor site of the intron before coding-DNA position 9157, G replaced by A.
Molecular consequence: splice acceptor variant.
Genome position (GRCh38, 1-based): chr17:18,159,274, G>A. VCF-style: chr17-18159274-G-A. GRCh37 (hg19) VCF-style: chr17-18062588-G-A.
Identifiers: ClinVar variation 2836234 (VCV002836234.3), dbSNP rs2545309610, ClinGen allele CA398633595.

ClinVar aggregate classification (germline): Likely pathogenic (1 of 4 stars; one submission).

Submission:

Labcorp Genetics (formerly Invitae), Labcorp
Classification: Likely pathogenic. Last evaluated: 2023-02-11. Review status: criteria provided, single submitter. Criteria: Invitae Variant Classification Sherloc (09022015). Collection method: clinical testing. Allele origin: germline.
Comment: This sequence change affects an acceptor splice site in intron 53 of the MYO15A gene. It is expected to disrupt RNA splicing. Variants that disrupt the donor or acceptor splice site typically lead to a loss of protein function (PMID: 16199547), and loss-of-function variants in MYO15A are known to be pathogenic (PMID: 17546645). This variant is not present in population databases (gnomAD no frequency). This variant has not been reported in the literature in individuals affected with MYO15A-related conditions. Algorithms developed to predict the effect of sequence changes on RNA splicing suggest that this variant may disrupt the consensus splice site. In summary, the currently available evidence indicates that the variant is pathogenic, but additional data are needed to prove that conclusively. Therefore, this variant has been classified as Likely Pathogenic.

Literature cited by the submitters: PubMed 16199547; PubMed 17546645.